The following is an entry in ClinVar:

NM_020631.6(PLEKHG5):c.400G>A (p.Glu134Lys)

Gene: PLEKHG5 (pleckstrin homology and RhoGEF domain containing G5; minus strand). Cytogenetic location: 1p36.31.
Variant type: single nucleotide variant.
Coding change: c.400G>A on transcript NM_020631.6 (MANE Select); coding-DNA position 400, G replaced by A.
Protein change: p.Glu134Lys; replaces glutamic acid 134 with lysine.
Molecular consequence: missense variant.
Genome position (GRCh38, 1-based): chr1:6,474,490, C>T on the plus strand (G>A on the coding strand, the complement: PLEKHG5 is on the minus strand). VCF-style: chr1-6474490-C-T. GRCh37 (hg19) VCF-style: chr1-6534550-C-T.
Other names: c.400G>A, p.Glu134Lys (NM_001265594.3, NM_198681.4, NM_001042664.2 and 1 more transcripts); c.511G>A, p.Glu171Lys (NM_001042663.3, NM_001265592.2); c.607G>A, p.Glu203Lys (NM_001265593.2); short protein forms E203K, E134K, E171K.
Identifiers: ClinVar variation 859470 (VCV000859470.9), dbSNP rs768676402, ClinGen allele CA561871.

ClinVar aggregate classification (germline): Uncertain significance. Review status: criteria provided, multiple submitters, no conflicts (2 of 4 stars). 2 submissions from 2 submitters: Uncertain significance (2). Last evaluated 2023-02-08.

Conditions:
Neuronopathy, distal hereditary motor, autosomal recessive 4. Also called: NEUROPATHY, DISTAL HEREDITARY MOTOR, AUTOSOMAL RECESSIVE 4; Autosomal recessive lower motor neuron disease with childhood onset. Identifiers: Orphanet 206580, MedGen C1970211, MONDO:0012608, OMIM 611067.
Charcot-Marie-Tooth disease recessive intermediate C. Also called: CHARCOT-MARIE-TOOTH NEUROPATHY, RECESSIVE INTERMEDIATE C. Identifiers: Orphanet 369867, MedGen C3809309, MONDO:0014154, OMIM 615376.
Inborn genetic diseases. Identifiers: MedGen C0950123, MeSH D030342.

Allele frequency attached by ClinVar (database versions not stated): gnomAD 0.00001; gnomAD exomes 0.00001 and 0.00002; ExAC 0.00002; TOPMed 0.00002.
gnomAD v4.1: 15 of 1,613,828 alleles (0.00093%); highest among the groups gnomAD compares: South Asian, 0.0044%; no homozygotes.

Submissions (2):

Ambry Genetics
Classification: Uncertain significance for Inborn genetic diseases. Last evaluated: 2023-02-08. Review status: criteria provided, single submitter. Criteria: Ambry Variant Classification Scheme 2023. Collection method: clinical testing. Allele origin: germline.

Labcorp Genetics (formerly Invitae), Labcorp
Classification: Uncertain significance for Neuronopathy, distal hereditary motor, autosomal recessive 4; Charcot-Marie-Tooth disease recessive intermediate C. Last evaluated: 2021-08-30. Review status: criteria provided, single submitter. Criteria: Invitae Variant Classification Sherloc (09022015). Collection method: clinical testing. Allele origin: germline.
Comment: This sequence change replaces glutamic acid with lysine at codon 134 of the PLEKHG5 protein (p.Glu134Lys). The glutamic acid residue is moderately conserved and there is a small physicochemical difference between glutamic acid and lysine. This variant is present in population databases (rs768676402, ExAC 0.01%). This variant has not been reported in the literature in individuals affected with PLEKHG5-related conditions. Algorithms developed to predict the effect of missense changes on protein structure and function are either unavailable or do not agree on the potential impact of this missense change (SIFT: "Tolerated"; PolyPhen-2: "Possibly Damaging"; Align-GVGD: "Class C0"). In summary, the available evidence is currently insufficient to determine the role of this variant in disease. Therefore, it has been classified as a Variant of Uncertain Significance.